The following is an entry in ClinVar:

ClinVar aggregate classification (germline): Uncertain significance (1 of 4 stars; one submission).

Submission:

Labcorp Genetics (formerly Invitae), Labcorp
Classification: Uncertain significance. Last evaluated: 2022-08-16. Review status: criteria provided, single submitter. Criteria: Invitae Variant Classification Sherloc (09022015). Collection method: clinical testing. Allele origin: germline.
Comment: This sequence change affects codon 2877 of the CPLANE1 mRNA. It is a 'silent' change, meaning that it does not change the encoded amino acid sequence of the CPLANE1 protein. It affects a nucleotide within the consensus splice site. This variant is not present in population databases (gnomAD no frequency). This variant has not been reported in the literature in individuals affected with CPLANE1-related conditions. Algorithms developed to predict the effect of sequence changes on RNA splicing suggest that this variant is not likely to affect RNA splicing. In summary, the available evidence is currently insufficient to determine the role of this variant in disease. Therefore, it has been classified as a Variant of Uncertain Significance.

NM_001384732.1(CPLANE1):c.8791A>C (p.Arg2931=)

Gene: CPLANE1 (ciliogenesis and planar polarity effector complex subunit 1; minus strand). Cytogenetic location: 5p13.2.
Variant type: single nucleotide variant.
Coding change: c.8791A>C on transcript NM_001384732.1 (MANE Select); coding-DNA position 8791, A replaced by C.
Protein change: p.Arg2931=; no amino-acid change (arginine 2931 retained).
Molecular consequence: synonymous variant.
Genome position (GRCh38, 1-based): chr5:37,138,721, T>G on the plus strand (A>C on the coding strand, the complement: CPLANE1 is on the minus strand). VCF-style: chr5-37138721-T-G. GRCh37 (hg19) VCF-style: chr5-37138823-T-G.
Other names: c.8629A>C, p.Arg2877= (NM_023073.4).
Identifiers: ClinVar variation 1967901 (VCV001967901.5), dbSNP rs953624404, ClinGen allele CA443923896.